The following is an entry in ClinVar:

ClinVar aggregate classification (germline): Benign/Likely benign. Review status: criteria provided, multiple submitters, no conflicts (2 of 4 stars). 5 submissions from 5 submitters: Benign (1); Likely benign (4). Last evaluated 2025-12-20.

Conditions:
Cardiovascular phenotype. Identifiers: MedGen CN230736.
Brugada syndrome. Also called: Sudden unexplained nocturnal death syndrome; Sudden unexpected nocturnal death syndrome; Sudden Unexplained Death Syndrome; Sudden Unexplained Nocturnal Death Syndrome (SUNDS). Identifiers: Orphanet 130, MedGen C1142166, MONDO:0015263.
Brugada syndrome 2 (BRGDA2). Identifiers: Orphanet 130, MedGen C2673193, MONDO:0012728, OMIM 611777.

Allele frequency attached by ClinVar (database versions not stated): ExAC 0.00009; gnomAD exomes 0.00012; gnomAD 0.00015 and 0.00016; TOPMed 0.00017; ESP Exome Variant Server 0.00023.
gnomAD v4.1: 508 of 1,587,998 alleles (0.032%); highest among the groups gnomAD compares: Non-Finnish European, 0.042%; 1 homozygote.

Submissions (5):

Labcorp Genetics (formerly Invitae), Labcorp
Classification: Likely benign for Brugada syndrome. Last evaluated: 2025-12-20. Review status: criteria provided, single submitter. Criteria: Invitae Variant Classification Sherloc (09022015). Collection method: clinical testing. Allele origin: germline.

Fulgent Genetics
Classification: Likely benign for Brugada syndrome 2. Last evaluated: 2021-08-20. Review status: criteria provided, single submitter. Criteria: ACMG Guidelines, 2015. Collection method: clinical testing. Allele origin: unknown.

Women's Health and Genetics/Laboratory Corporation of America, LabCorp
Classification: Benign. Last evaluated: 2021-07-26. Review status: criteria provided, single submitter. Criteria: LabCorp Variant Classification Summary - May 2015. Collection method: clinical testing. Allele origin: germline.

Ambry Genetics
Classification: Likely benign for Cardiovascular phenotype. Last evaluated: 2019-05-08. Review status: criteria provided, single submitter. Criteria: Ambry Variant Classification Scheme 2023. Collection method: clinical testing. Allele origin: germline.

GeneDx
Classification: Likely benign. Last evaluated: 2017-12-22. Review status: criteria provided, single submitter. Criteria: GeneDx Variant Classification (06012015). Collection method: clinical testing. Allele origin: germline. Affected: yes.
Comment: This variant is considered likely benign or benign based on one or more of the following criteria: it is a conservative change, it occurs at a poorly conserved position in the protein, it is predicted to be benign by multiple in silico algorithms, and/or has population frequency not consistent with disease.

NM_015141.4(GPD1L):c.1038C>T (p.Ser346=)

Gene: GPD1L (glycerol-3-phosphate dehydrogenase 1 like; plus strand). Cytogenetic location: 3p22.3.
Variant type: single nucleotide variant.
Coding change: c.1038C>T on transcript NM_015141.4 (MANE Select); coding-DNA position 1038, C replaced by T.
Protein change: p.Ser346=; no amino-acid change (serine 346 retained).
Molecular consequence: synonymous variant.
Genome position (GRCh38, 1-based): chr3:32,165,892, C>T. VCF-style: chr3-32165892-C-T. GRCh37 (hg19) VCF-style: chr3-32207384-C-T.
Identifiers: ClinVar variation 516287 (VCV000516287.14), dbSNP rs147092668, ClinGen allele CA2296824.